The following is an entry in ClinVar:

ClinVar aggregate classification (germline): Uncertain significance (1 of 4 stars; one submission).

Conditions:
Hereditary cancer-predisposing syndrome. Also called: Neoplastic Syndromes, Hereditary; Tumor predisposition; Hereditary neoplastic syndrome; Hereditary Cancer Syndrome. Identifiers: Orphanet 140162, MedGen C0027672, MeSH D009386, MONDO:0015356.

Submission:

Ambry Genetics
Classification: Uncertain significance for Hereditary cancer-predisposing syndrome. Last evaluated: 2026-07-20. Review status: criteria provided, single submitter. Criteria: Ambry Variant Classification Scheme 2023. Collection method: clinical testing. Allele origin: germline.
Comment: The p.P2312H variant (also known as c.6935C>A), located in coding exon 15 of the APC gene, results from a C to A substitution at nucleotide position 6935. The proline at codon 2312 is replaced by histidine, an amino acid with similar properties. This amino acid position is conserved. In addition, in silico predictors for this gene do not accurately predict pathogenicity. Based on the available evidence, the clinical significance of this variant remains unclear.

NM_000038.6(APC):c.6935C>A (p.Pro2312His)

Gene: APC (APC regulator of Wnt signaling pathway; plus strand). Cytogenetic location: 5q22.2.
Variant type: single nucleotide variant.
Coding change: c.6935C>A on transcript NM_000038.6 (MANE Select); coding-DNA position 6935, C replaced by A.
Protein change: p.Pro2312His; replaces proline 2312 with histidine.
Molecular consequence: missense variant. On other transcripts: non-coding transcript variant (2).
Genome position (GRCh38, 1-based): chr5:112,842,529, C>A. VCF-style: chr5-112842529-C-A. GRCh37 (hg19) VCF-style: chr5-112178226-C-A.
Other names: c.6686C>A, p.Pro2229His (NM_001407454.1, NM_001407455.1, NM_001407456.1 and 1 more transcripts); c.6632C>A, p.Pro2211His (NM_001407458.1, NM_001407459.1, NM_001407460.1 and 1 more transcripts); c.6548C>A, p.Pro2183His (NM_001407467.1, NM_001407469.1); c.6086C>A, p.Pro2029His (NM_001407470.1, NM_001354906.2); c.6989C>A, p.Pro2330His (NM_001407447.1, NM_001407448.1, NM_001407449.1 and 1 more transcripts); c.6935C>A, p.Pro2312His (NM_001407450.1, NM_001127510.3, NM_001354895.2); c.6914C>A, p.Pro2305His (NM_001407451.1); c.6905C>A, p.Pro2302His (NM_001407452.1); and 11 more; short protein forms P2183H, P2186H, P2253H, P2271H, P2287H, P2322H, P2152H, P2211H.
Identifiers: ClinVar variation 5025509 (VCV005025509.1).